The following is an entry in ClinVar:

ClinVar aggregate classification (germline): Likely pathogenic (1 of 4 stars; one submission).

Allele frequency attached by ClinVar (database versions not stated): gnomAD exomes below 0.00001; ExAC 0.00001.
gnomAD v4.1: 1 of 1,609,186 alleles (0.000062%); highest among the groups gnomAD compares: Admixed American, 0.0017%; no homozygotes.

Submission:

Labcorp Genetics (formerly Invitae), Labcorp
Classification: Likely pathogenic. Last evaluated: 2023-01-17. Review status: criteria provided, single submitter. Criteria: Invitae Variant Classification Sherloc (09022015). Collection method: clinical testing. Allele origin: germline.
Comment: In summary, the currently available evidence indicates that the variant is pathogenic, but additional data are needed to prove that conclusively. Therefore, this variant has been classified as Likely Pathogenic. Algorithms developed to predict the effect of sequence changes on RNA splicing suggest that this variant may disrupt the consensus splice site. This variant has not been reported in the literature in individuals affected with C5-related conditions. This variant is present in population databases (rs746623019, gnomAD 0.003%). This sequence change affects a donor splice site in intron 3 of the C5 gene. It is expected to disrupt RNA splicing. Variants that disrupt the donor or acceptor splice site typically lead to a loss of protein function (PMID: 16199547), and loss-of-function variants in C5 are known to be pathogenic (PMID: 7730648, 19414197, 27026170).

Literature cited by the submitters: PubMed 16199547; PubMed 7730648; PubMed 19414197; PubMed 27026170.

NM_001735.3(C5):c.421+2T>C

Gene: C5 (complement C5; minus strand). Cytogenetic location: 9q33.2.
Variant type: single nucleotide variant.
Coding change: c.421+2T>C on transcript NM_001735.3 (MANE Select); the canonical splice donor site of the intron after coding-DNA position 421, T replaced by C.
Molecular consequence: splice donor variant.
Genome position (GRCh38, 1-based): chr9:121,043,002, A>G on the plus strand (T>C on the coding strand, the complement: C5 is on the minus strand). VCF-style: chr9-121043002-A-G. GRCh37 (hg19) VCF-style: chr9-123805280-A-G.
Other names: c.439+2T>C (NM_001317163.2); c.421+2T>C (NM_001317164.2).
Identifiers: ClinVar variation 3010225 (VCV003010225.3), dbSNP rs746623019, ClinGen allele CA5218409.
Genomic context (GRCh38, chr9:121,043,002, plus strand): 5'-TACAATATAGTGTCAATACTGTCAAATCCCCCACCCAGAGGAAGAAATATCTTATAATCT[A>G]CCTGACTGGTCTGGAGTATAAACAGGTTTGTCTGTATGAATGAAGAGAAATCCATTGTCA-3'